The following is an entry in ClinVar:

ClinVar aggregate classification (germline): Uncertain significance (1 of 4 stars; one submission).

gnomAD v4.1: 8 of 1,611,096 alleles (0.0005%); highest among the groups gnomAD compares: East Asian, 0.016%; no homozygotes.

Submission:

Labcorp Genetics (formerly Invitae), Labcorp
Classification: Uncertain significance. Last evaluated: 2025-05-31. Review status: criteria provided, single submitter. Criteria: Invitae Variant Classification Sherloc (09022015). Collection method: clinical testing. Allele origin: germline.
Comment: This sequence change replaces isoleucine, which is neutral and non-polar, with valine, which is neutral and non-polar, at codon 22 of the NFE2L2 protein (p.Ile22Val). This variant is present in population databases (no rsID available, gnomAD 0.01%). This variant has not been reported in the literature in individuals affected with NFE2L2-related conditions. An algorithm developed to predict the effect of missense changes on protein structure and function (PolyPhen-2) suggests that this variant is likely to be disruptive. In summary, the available evidence is currently insufficient to determine the role of this variant in disease. Therefore, it has been classified as a Variant of Uncertain Significance.

NM_006164.5(NFE2L2):c.64A>G (p.Ile22Val)

Gene: NFE2L2 (NFE2 like bZIP transcription factor 2; minus strand). Cytogenetic location: 2q31.2.
Variant type: single nucleotide variant.
Coding change: c.64A>G on transcript NM_006164.5 (MANE Select); coding-DNA position 64, A replaced by G.
Protein change: p.Ile22Val; replaces isoleucine 22 with valine.
Molecular consequence: missense variant. On other transcripts: 5 prime UTR variant (1).
Genome position (GRCh38, 1-based): chr2:177,234,253, T>C on the plus strand (A>G on the coding strand, the complement: NFE2L2 is on the minus strand). VCF-style: chr2-177234253-T-C. GRCh37 (hg19) VCF-style: chr2-178098981-T-C.
Other names: c.16A>G, p.Ile6Val (NM_001145412.3, NM_001145413.3, NM_001313900.1 and 1 more transcripts); c.64A>G, p.Ile22Val (NM_001313902.2, NM_001313903.2); c.-166A>G (NM_001313904.1); short protein forms I22V, I6V.
Identifiers: ClinVar variation 4779666 (VCV004779666.1).